The following is an entry in ClinVar:

ClinVar aggregate classification (germline): Uncertain significance (1 of 4 stars; one submission).

Allele frequency attached by ClinVar (database versions not stated): gnomAD exomes below 0.00001 and 0.00001; gnomAD 0.00001; TOPMed 0.00001.
gnomAD v4.1: 7 of 1,613,940 alleles (0.00043%); highest among the groups gnomAD compares: South Asian, 0.0011%; no homozygotes.

Submission:

Labcorp Genetics (formerly Invitae), Labcorp
Classification: Uncertain significance. Last evaluated: 2022-03-29. Review status: criteria provided, single submitter. Criteria: Invitae Variant Classification Sherloc (09022015). Collection method: clinical testing. Allele origin: germline.
Comment: In summary, the available evidence is currently insufficient to determine the role of this variant in disease. Therefore, it has been classified as a Variant of Uncertain Significance. Algorithms developed to predict the effect of missense changes on protein structure and function output the following: SIFT: "Tolerated"; PolyPhen-2: "Benign"; Align-GVGD: "Class C0". The glutamine amino acid residue is found in multiple mammalian species, which suggests that this missense change does not adversely affect protein function. ClinVar contains an entry for this variant (Variation ID: 965998). This variant has not been reported in the literature in individuals affected with ADAM9-related conditions. This variant is present in population databases (no rsID available, gnomAD 0.0009%). This sequence change replaces arginine, which is basic and polar, with glutamine, which is neutral and polar, at codon 755 of the ADAM9 protein (p.Arg755Gln).

NM_003816.3(ADAM9):c.2264G>A (p.Arg755Gln)

Gene: ADAM9 (ADAM metallopeptidase domain 9; plus strand). Cytogenetic location: 8p11.22.
Variant type: single nucleotide variant.
Coding change: c.2264G>A on transcript NM_003816.3 (MANE Select); coding-DNA position 2264, G replaced by A.
Protein change: p.Arg755Gln; replaces arginine 755 with glutamine.
Molecular consequence: missense variant. On other transcripts: non-coding transcript variant (3).
Genome position (GRCh38, 1-based): chr8:39,091,312, G>A. VCF-style: chr8-39091312-G-A. GRCh37 (hg19) VCF-style: chr8-38948831-G-A.
Other names: short protein forms R755Q.
Identifiers: ClinVar variation 965998 (VCV000965998.6), dbSNP rs1332954652, ClinGen allele CA370750079.